The following is an entry in ClinVar:

ClinVar aggregate classification (germline): Uncertain significance (1 of 4 stars; one submission).

Submission:

Labcorp Genetics (formerly Invitae), Labcorp
Classification: Uncertain significance. Last evaluated: 2022-09-08. Review status: criteria provided, single submitter. Criteria: Invitae Variant Classification Sherloc (09022015). Collection method: clinical testing. Allele origin: germline.
Comment: This sequence change replaces glycine, which is neutral and non-polar, with valine, which is neutral and non-polar, at codon 92 of the NFKB1 protein (p.Gly92Val). This variant is not present in population databases (gnomAD no frequency). This variant has not been reported in the literature in individuals affected with NFKB1-related conditions. ClinVar contains an entry for this variant (Variation ID: 1498962). Algorithms developed to predict the effect of missense changes on protein structure and function (SIFT, PolyPhen-2, Align-GVGD) all suggest that this variant is likely to be disruptive. Algorithms developed to predict the effect of sequence changes on RNA splicing suggest that this variant may create or strengthen a splice site. In summary, the available evidence is currently insufficient to determine the role of this variant in disease. Therefore, it has been classified as a Variant of Uncertain Significance.

NM_003998.4(NFKB1):c.275G>T (p.Gly92Val)

Gene: NFKB1 (nuclear factor kappa B subunit 1; plus strand). Cytogenetic location: 4q24.
Variant type: single nucleotide variant.
Coding change: c.275G>T on transcript NM_003998.4 (MANE Select); coding-DNA position 275, G replaced by T.
Protein change: p.Gly92Val; replaces glycine 92 with valine.
Molecular consequence: missense variant.
Genome position (GRCh38, 1-based): chr4:102,567,003, G>T. VCF-style: chr4-102567003-G-T. GRCh37 (hg19) VCF-style: chr4-103488160-G-T.
Other names: c.272G>T, p.Gly91Val (NM_001165412.2, NM_001319226.2, NM_001382627.1); c.275G>T, p.Gly92Val (NM_001382625.1, NM_001382626.1); c.233G>T, p.Gly78Val (NM_001382628.1); short protein forms G78V, G92V, G91V.
Identifiers: ClinVar variation 1498962 (VCV001498962.6), dbSNP rs2149168137, ClinGen allele CA357958732.
Genomic context (GRCh38, chr4:102,567,003, plus strand): 5'-GGAGAGTCAGATATGCTAACTTTTGGAATGTGCTTCTTATATAGATCTGCAACTATGTGG[G>T]ACCAGCAAAGGTTATTGTTCAGTTGGTCACAAATGGAAAAAATATCCACCTGCATGCCCA-3'
Protein context (NP_003989.2, residues 82-102): YPQVKICNYV[Gly92Val]PAKVIVQLVT